The following is an entry in ClinVar:

NM_198525.3(KIF7):c.3472A>C (p.Lys1158Gln)

Genes: KIF7 (kinesin family member 7; minus strand), LOC126862216 (BRD4-independent group 4 enhancer GRCh37_chr15:90171995-90173194; plus strand). Cytogenetic location: 15q26.1.
Variant type: single nucleotide variant.
Coding change: c.3472A>C on transcript NM_198525.3 (MANE Select); coding-DNA position 3472, A replaced by C.
Protein change: p.Lys1158Gln; replaces lysine 1158 with glutamine.
Molecular consequence: missense variant.
Genome position (GRCh38, 1-based): chr15:89,629,420, T>G on the plus strand (A>C on the coding strand, the complement: KIF7 is on the minus strand). VCF-style: chr15-89629420-T-G. GRCh37 (hg19) VCF-style: chr15-90172651-T-G.
Other names: short protein forms K1158Q.
Identifiers: ClinVar variation 1369613 (VCV001369613.6), dbSNP rs748294001, ClinGen allele CA7727696.
Genomic context (GRCh38, chr15:89,629,420, plus strand): 5'-GGCCGGGCTGCTCACCTCGACTCTGCTGCAGGAGCAGCTGCATGTTCTGCTCGTGCTCCT[T>G]CTGCTGCAGGGTCAGCTGGCGGTCCATCTCCAGGCGCTGCCGCTCCAGGGCCACCTCCAG-3'
Protein context (NP_940927.2, residues 1148-1168): EMDRQLTLQQ[Lys1158Gln]EHEQNMQLLL

ClinVar aggregate classification (germline): Uncertain significance (1 of 4 stars; one submission).

Conditions:
Acrocallosal syndrome (ACLS). Also called: HALLUX DUPLICATION, POSTAXIAL POLYDACTYLY, AND ABSENCE OF CORPUS CALLOSUM; Schinzel syndrome 1; Absence of corpus callosum with unusual facial appearance, mental deficiency, duplication of the halluces and polydactyly. Identifiers: Orphanet 36, MedGen C0796147, MONDO:0008708, OMIM 200990.

gnomAD v4.1: 4 of 1,607,420 alleles (0.00025%); highest among the groups gnomAD compares: East Asian, 0.0022%; no homozygotes.

Submission:

Labcorp Genetics (formerly Invitae), Labcorp
Classification: Uncertain significance for Acrocallosal syndrome. Last evaluated: 2021-09-24. Review status: criteria provided, single submitter. Criteria: Invitae Variant Classification Sherloc (09022015). Collection method: clinical testing. Allele origin: germline.
Comment: This variant has not been reported in the literature in individuals affected with KIF7-related conditions. Algorithms developed to predict the effect of missense changes on protein structure and function (SIFT, PolyPhen-2, Align-GVGD) all suggest that this variant is likely to be disruptive. In summary, the available evidence is currently insufficient to determine the role of this variant in disease. Therefore, it has been classified as a Variant of Uncertain Significance. This variant is present in population databases (rs748294001, ExAC 0.002%). This sequence change replaces lysine with glutamine at codon 1158 of the KIF7 protein (p.Lys1158Gln). The lysine residue is highly conserved and there is a small physicochemical difference between lysine and glutamine.